The following is an entry in ClinVar:

ClinVar aggregate classification (germline): Likely benign (0 of 4 stars; one submission).

Conditions:
SCRIB-related disorder. Also called: SCRIB-related condition.

Allele frequency attached by ClinVar (database versions not stated): gnomAD 0.00001; ExAC 0.00003; TOPMed 0.00003; gnomAD exomes 0.00005.
gnomAD v4.1: 71 of 1,611,392 alleles (0.0044%); highest among the groups gnomAD compares: Non-Finnish European, 0.0057%; no homozygotes.

Submission:

PreventionGenetics, part of Exact Sciences
Classification: Likely benign for SCRIB-related condition. Last evaluated: 2019-04-04. Review status: no assertion criteria provided. Collection method: clinical testing. Allele origin: germline.
Comment: This variant is classified as likely benign based on ACMG/AMP sequence variant interpretation guidelines (Richards et al. 2015 PMID: 25741868, with internal and published modifications).

NM_182706.5(SCRIB):c.1200G>A (p.Thr400=)

Gene: SCRIB (scribble planar cell polarity protein; minus strand). Cytogenetic location: 8q24.3.
Variant type: single nucleotide variant.
Coding change: c.1200G>A on transcript NM_182706.5 (MANE Select); coding-DNA position 1200, G replaced by A.
Protein change: p.Thr400=; no amino-acid change (threonine 400 retained).
Molecular consequence: synonymous variant.
Genome position (GRCh38, 1-based): chr8:143,810,979, C>T on the plus strand (G>A on the coding strand, the complement: SCRIB is on the minus strand). VCF-style: chr8-143810979-C-T. GRCh37 (hg19) VCF-style: chr8-144893149-C-T.
Other names: c.1200G>A, p.Thr400= (NM_015356.5).
Identifiers: ClinVar variation 3046359 (VCV003046359.2), dbSNP rs762494915, ClinGen allele CA187611124.